The following is an entry in ClinVar:

ClinVar aggregate classification (germline): Uncertain significance (1 of 4 stars; one submission).

Conditions:
Fanconi anemia (FA). Also called: Fanconi's anemia. Identifiers: Orphanet 84, MedGen C0015625, MeSH D005199, MONDO:0019391.

Allele frequency attached by ClinVar (database versions not stated): gnomAD 0.00001; TOPMed 0.00001; ExAC 0.00001.
gnomAD v4.1: 23 of 1,612,860 alleles (0.0014%); highest among the groups gnomAD compares: Non-Finnish European, 0.002%; no homozygotes.

Submission:

Labcorp Genetics (formerly Invitae), Labcorp
Classification: Uncertain significance for Fanconi anemia. Last evaluated: 2024-08-14. Review status: criteria provided, single submitter. Criteria: Invitae Variant Classification Sherloc (09022015). Collection method: clinical testing. Allele origin: germline.
Comment: This sequence change replaces histidine, which is basic and polar, with tyrosine, which is neutral and polar, at codon 1070 of the FANCD2 protein (p.His1070Tyr). This variant is present in population databases (rs201184977, gnomAD 0.002%). This variant has not been reported in the literature in individuals affected with FANCD2-related conditions. ClinVar contains an entry for this variant (Variation ID: 2051956). Invitae Evidence Modeling of protein sequence and biophysical properties (such as structural, functional, and spatial information, amino acid conservation, physicochemical variation, residue mobility, and thermodynamic stability) indicates that this missense variant is not expected to disrupt FANCD2 protein function with a negative predictive value of 80%. In summary, the available evidence is currently insufficient to determine the role of this variant in disease. Therefore, it has been classified as a Variant of Uncertain Significance.

NM_001018115.3(FANCD2):c.3208C>T (p.His1070Tyr)

Genes: FANCD2 (FA complementation group D2; plus strand), FANCD2OS (FANCD2 opposite strand; minus strand). Cytogenetic location: 3p25.3.
Variant type: single nucleotide variant.
Coding change: c.3208C>T on transcript NM_001018115.3 (MANE Select); coding-DNA position 3208, C replaced by T.
Protein change: p.His1070Tyr; replaces histidine 1070 with tyrosine.
Molecular consequence: missense variant. On other transcripts: 3 prime UTR variant (1).
Genome position (GRCh38, 1-based): chr3:10,081,448, C>T. VCF-style: chr3-10081448-C-T. GRCh37 (hg19) VCF-style: chr3-10123132-C-T.
Other names: c.*127G>A (NM_173472.2); c.3208C>T, p.His1070Tyr (NM_001319984.2, NM_001374254.1, NM_033084.6); c.3097C>T, p.His1033Tyr (NM_001374253.1); short protein forms H1070Y, H1033Y.
Identifiers: ClinVar variation 2051956 (VCV002051956.2), dbSNP rs201184977, ClinGen allele CA2250300.